The following is an entry in ClinVar:

NM_000138.5(FBN1):c.2113G>A (p.Ala705Thr)

Gene: FBN1 (fibrillin 1; minus strand). Cytogenetic location: 15q21.1.
Variant type: single nucleotide variant.
Coding change: c.2113G>A on transcript NM_000138.5 (MANE Select); coding-DNA position 2113, G replaced by A.
Protein change: p.Ala705Thr; replaces alanine 705 with threonine.
Molecular consequence: missense variant.
Genome position (GRCh38, 1-based): chr15:48,503,787, C>T on the plus strand (G>A on the coding strand, the complement: FBN1 is on the minus strand). VCF-style: chr15-48503787-C-T. GRCh37 (hg19) VCF-style: chr15-48795984-C-T.
Other names: short protein forms A705T.
Identifiers: ClinVar variation 642750 (VCV000642750.10), dbSNP rs1597574156, ClinGen allele CA392337863.

ClinVar aggregate classification (germline): Pathogenic (1 of 4 stars; one submission).

Conditions:
Familial thoracic aortic aneurysm and aortic dissection (TAAD). Also called: Thoracic aortic aneurysms and dissections. Identifiers: Orphanet 91387, MedGen C4707243, MONDO:0019625.
Marfan syndrome (MFS). Also called: FBN1-Related Marfan Syndrome; Marfan syndrome type 1; Marfan's syndrome; Marfan syndrome, classic; MARFAN SYNDROME, TYPE I. Identifiers: Orphanet 284963, Orphanet 558, MedGen C0024796, MONDO:0007947, OMIM 154700.

Submission:

Labcorp Genetics (formerly Invitae), Labcorp
Classification: Pathogenic for Marfan syndrome; Familial thoracic aortic aneurysm and aortic dissection. Last evaluated: 2024-12-09. Review status: criteria provided, single submitter. Criteria: Invitae Variant Classification Sherloc (09022015). Collection method: clinical testing. Allele origin: germline.
Comment: This sequence change replaces alanine, which is neutral and non-polar, with threonine, which is neutral and polar, at codon 705 of the FBN1 protein (p.Ala705Thr). This variant also falls at the last nucleotide of exon 17, which is part of the consensus splice site for this exon. This variant is not present in population databases (gnomAD no frequency). This missense change has been observed in individual(s) with clinical features of Marfan syndrome (PMID: 8863159, 19293843; internal data). In at least one individual the variant was observed to be de novo. ClinVar contains an entry for this variant (Variation ID: 642750). An algorithm developed to predict the effect of missense changes on protein structure and function (PolyPhen-2) suggests that this variant is likely to be disruptive. Variants that disrupt the consensus splice site are a relatively common cause of aberrant splicing (PMID: 17576681, 9536098). Algorithms developed to predict the effect of sequence changes on RNA splicing suggest that this variant may disrupt the consensus splice site. For these reasons, this variant has been classified as Pathogenic.

Literature cited by the submitters: PubMed 8863159; PubMed 19293843; PubMed 17576681; PubMed 9536098.